The following is an entry in ClinVar:

ClinVar aggregate classification (germline): Uncertain significance (1 of 4 stars; one submission).

Conditions:
Hereditary diffuse gastric adenocarcinoma (HDGC). Also called: DIFFUSE GASTRIC AND LOBULAR BREAST CANCER SYNDROME. Identifiers: Orphanet 26106, MedGen C1708349, MONDO:0007648, OMIM 137215.

Submission:

Labcorp Genetics (formerly Invitae), Labcorp
Classification: Uncertain significance for Hereditary diffuse gastric adenocarcinoma. Last evaluated: 2026-01-21. Review status: criteria provided, single submitter. Criteria: Invitae Variant Classification Sherloc (09022015). Collection method: clinical testing. Allele origin: germline.
Comment: This sequence change replaces asparagine, which is neutral and polar, with serine, which is neutral and polar, at codon 181 of the CDH1 protein (p.Asn181Ser). This variant is not present in population databases (gnomAD no frequency). This variant has not been reported in the literature in individuals affected with CDH1-related conditions. An algorithm developed to predict the effect of missense changes on protein structure and function outputs the following: PolyPhen-2: "Benign". The serine amino acid residue is found in multiple mammalian species, which suggests that this missense change does not adversely affect protein function. In summary, the available evidence is currently insufficient to determine the role of this variant in disease. Therefore, it has been classified as a Variant of Uncertain Significance.

NM_004360.5(CDH1):c.542A>G (p.Asn181Ser)

Gene: CDH1 (cadherin 1; plus strand). Cytogenetic location: 16q22.1.
Variant type: single nucleotide variant.
Coding change: c.542A>G on transcript NM_004360.5 (MANE Select); coding-DNA position 542, A replaced by G.
Protein change: p.Asn181Ser; replaces asparagine 181 with serine.
Molecular consequence: missense variant. On other transcripts: 5 prime UTR variant (2).
Genome position (GRCh38, 1-based): chr16:68,808,703, A>G. VCF-style: chr16-68808703-A-G. GRCh37 (hg19) VCF-style: chr16-68842606-A-G.
Other names: c.542A>G, p.Asn181Ser (NM_001317184.2); c.-1074A>G (NM_001317185.2); c.-1278A>G (NM_001317186.2); short protein forms N181S.
Identifiers: ClinVar variation 4774529 (VCV004774529.1).